The following is an entry in ClinVar:

ClinVar aggregate classification (germline): Uncertain significance. Review status: criteria provided, multiple submitters, no conflicts (2 of 4 stars). 2 submissions from 2 submitters: Uncertain significance (2). Last evaluated 2025-09-04.

Allele frequency attached by ClinVar (database versions not stated): ExAC 0.00001; gnomAD 0.00001; gnomAD exomes 0.00001 and 0.00002.
gnomAD v4.1: 24 of 1,612,360 alleles (0.0015%); highest among the groups gnomAD compares: East Asian, 0.0045%; no homozygotes.

Submissions (2):

Labcorp Genetics (formerly Invitae), Labcorp
Classification: Uncertain significance. Last evaluated: 2025-09-04. Review status: criteria provided, single submitter. Criteria: Invitae Variant Classification Sherloc (09022015). Collection method: clinical testing. Allele origin: germline.
Comment: This sequence change replaces aspartic acid, which is acidic and polar, with asparagine, which is neutral and polar, at codon 599 of the MYLK3 protein (p.Asp599Asn). This variant is present in population databases (rs780286175, gnomAD 0.005%). This variant has not been reported in the literature in individuals affected with MYLK3-related conditions. ClinVar contains an entry for this variant (Variation ID: 1358388). An algorithm developed to predict the effect of missense changes on protein structure and function (PolyPhen-2) suggests that this variant is likely to be disruptive. In summary, the available evidence is currently insufficient to determine the role of this variant in disease. Therefore, it has been classified as a Variant of Uncertain Significance.

Ambry Genetics
Classification: Uncertain significance. Last evaluated: 2025-06-12. Review status: criteria provided, single submitter. Criteria: Ambry Variant Classification Scheme 2023. Collection method: clinical testing. Allele origin: germline.

NM_182493.3(MYLK3):c.1795G>A (p.Asp599Asn)

Gene: MYLK3 (myosin light chain kinase 3; minus strand). Cytogenetic location: 16q11.2.
Variant type: single nucleotide variant.
Coding change: c.1795G>A on transcript NM_182493.3 (MANE Select); coding-DNA position 1795, G replaced by A.
Protein change: p.Asp599Asn; replaces aspartic acid 599 with asparagine.
Molecular consequence: missense variant.
Genome position (GRCh38, 1-based): chr16:46,727,355, C>T on the plus strand (G>A on the coding strand, the complement: MYLK3 is on the minus strand). VCF-style: chr16-46727355-C-T. GRCh37 (hg19) VCF-style: chr16-46761267-C-T.
Other names: c.772G>A, p.Asp258Asn (NM_001308301.1); c.1795G>A (NM_182493.2); short protein forms D599N, D258N.
Identifiers: ClinVar variation 1358388 (VCV001358388.7), dbSNP rs780286175, ClinGen allele CA8037842.
Genomic context (GRCh38, chr16:46,727,355, plus strand): 5'-GCCTGGTGAACAGGACCACATCCAGCTCAGTCAGGTGGTACTTCTCATCTGTGATCCGGT[C>T]GAAGAGCTCACCCCCGTCCACGCTGCCAGAGCAAAGGGAGAGGCAGGCACCAGCCTAAGC-3'
Protein context (NP_872299.2, residues 589-609): MEYVDGGELF[Asp599Asn]RITDEKYHLT